The following is an entry in ClinVar:

NC_000008.10:g.(?_17924709)_(17941567_?)dup

Gene: ASAH1 (N-acylsphingosine amidohydrolase 1; minus strand). Cytogenetic location: 8p22.
Variant type: Duplication.
Identifiers: ClinVar variation 2427560 (VCV002427560.4).

ClinVar aggregate classification (germline): Uncertain significance (1 of 4 stars; one submission).

Submission:

Labcorp Genetics (formerly Invitae), Labcorp
Classification: Uncertain significance. Last evaluated: 2022-10-05. Review status: criteria provided, single submitter. Criteria: Invitae Variant Classification Sherloc (09022015). Collection method: clinical testing. Allele origin: germline.
Comment: In summary, the available evidence is currently insufficient to determine the role of this variant in disease. Therefore, it has been classified as a Variant of Uncertain Significance. This variant has not been reported in the literature in individuals affected with ASAH1-related conditions. This variant results in a copy number gain of the genomic region encompassing exon(s) 1-5 of the ASAH1 gene. This region includes the initiator codon of the gene. This copy number gain extends beyond the assayed region for this gene and therefore may encompass additional genes. As the precise location of this event is unknown, it may be in tandem or it may be located elsewhere in the genome.